The following is an entry in ClinVar:

NM_001365308.1(BMPER):c.1460C>T (p.Pro487Leu)

Gene: BMPER (BMP binding endothelial regulator; plus strand). Cytogenetic location: 7p14.3.
Variant type: single nucleotide variant.
Coding change: c.1460C>T on transcript NM_001365308.1 (MANE Select); coding-DNA position 1460, C replaced by T.
Protein change: p.Pro487Leu; replaces proline 487 with leucine.
Molecular consequence: missense variant.
Genome position (GRCh38, 1-based): chr7:34,085,807, C>T. VCF-style: chr7-34085807-C-T. GRCh37 (hg19) VCF-style: chr7-34125419-C-T.
Other names: c.1460C>T, p.Pro487Leu (NM_133468.5); short protein forms P487L.
Identifiers: ClinVar variation 360111 (VCV000360111.7), dbSNP rs115364786, ClinGen allele CA4215417.

ClinVar aggregate classification (germline): Uncertain significance. Review status: criteria provided, multiple submitters, no conflicts (2 of 4 stars). 2 submissions from 2 submitters: Uncertain significance (2). Last evaluated 2022-07-19.

Conditions:
Diaphanospondylodysostosis. Also called: VERTEBRAL OSSIFICATION, DEFECT IN, WITH NEPHROGENIC RESTS. Identifiers: Orphanet 66637, MedGen C1842691, MONDO:0011946, OMIM 608022.

Allele frequency attached by ClinVar (database versions not stated): gnomAD 0.00059 and 0.00060; gnomAD exomes 0.00059 and 0.00115; 1000 Genomes Project 0.00060; ExAC 0.00060; TOPMed 0.00065; 1000 Genomes Project 30x 0.00078; ESP Exome Variant Server 0.00092.
gnomAD v4.1: 1,763 of 1,614,134 alleles (0.11%); highest among the groups gnomAD compares: Non-Finnish European, 0.14%; 2 homozygotes.

Submissions (2):

Labcorp Genetics (formerly Invitae), Labcorp
Classification: Uncertain significance. Last evaluated: 2022-07-19. Review status: criteria provided, single submitter. Criteria: Invitae Variant Classification Sherloc (09022015). Collection method: clinical testing. Allele origin: germline.
Comment: This sequence change replaces proline, which is neutral and non-polar, with leucine, which is neutral and non-polar, at codon 487 of the BMPER protein (p.Pro487Leu). This variant is present in population databases (rs115364786, gnomAD 0.1%), and has an allele count higher than expected for a pathogenic variant. This variant has not been reported in the literature in individuals affected with BMPER-related conditions. ClinVar contains an entry for this variant (Variation ID: 360111). Algorithms developed to predict the effect of missense changes on protein structure and function are either unavailable or do not agree on the potential impact of this missense change (SIFT: "Deleterious"; PolyPhen-2: "Benign"; Align-GVGD: "Class C65"). In summary, the available evidence is currently insufficient to determine the role of this variant in disease. Therefore, it has been classified as a Variant of Uncertain Significance.

Illumina Laboratory Services, Illumina
Classification: Uncertain significance for Diaphanospondylodysostosis. Last evaluated: 2018-01-12. Review status: criteria provided, single submitter. Criteria: ICSL Variant Classification Criteria 13 December 2019. Collection method: clinical testing. Allele origin: germline.